The following is an entry in ClinVar:

ClinVar aggregate classification (germline): Conflicting classifications of pathogenicity. Review status: criteria provided, conflicting classifications (1 of 4 stars). 2 submissions from 2 submitters: Uncertain significance (1); Likely benign (1). Last evaluated 2024-12-03.

Conditions:
Dilated cardiomyopathy 1G (CMD1G). Identifiers: Orphanet 154, MedGen C1858763, MONDO:0011400, OMIM 604145.
Autosomal recessive limb-girdle muscular dystrophy type 2J (LGMDR10). Also called: Limb-girdle muscular dystrophy, type 2J; MUSCULAR DYSTROPHY, LIMB-GIRDLE, AUTOSOMAL RECESSIVE 10. Identifiers: Orphanet 140922, MedGen C1837342, MONDO:0012127, OMIM 608807.

Allele frequency attached by ClinVar (database versions not stated): ExAC 0.00001; TOPMed 0.00002; gnomAD 0.00003 and 0.00004.
gnomAD v4.1: 7 of 1,606,148 alleles (0.00044%); highest among the groups gnomAD compares: African/African-American, 0.0081%; no homozygotes.

Submissions (2):

Labcorp Genetics (formerly Invitae), Labcorp
Classification: Likely benign for Dilated cardiomyopathy 1G; Autosomal recessive limb-girdle muscular dystrophy type 2J. Last evaluated: 2024-12-03. Review status: criteria provided, single submitter. Criteria: Invitae Variant Classification Sherloc (09022015). Collection method: clinical testing. Allele origin: germline.

Laboratory for Molecular Medicine, Mass General Brigham Personalized Medicine
Classification: Uncertain significance. Last evaluated: 2012-08-07. Review status: criteria provided, single submitter. Criteria: LMM Criteria. Collection method: clinical testing. Allele origin: germline. Observed: 1 variant allele.
Comment: The 10166-10G>C variant in TTN has not been reported in the literature nor previ ously identified by our laboratory. This variant is located in the 3' splice reg ion. Computational tools do not predict altered splicing, though this informatio n is not predictive enough to rule out pathogenicity. Additional information is needed to fully assess the clinical significance of this variant.

NM_001267550.2(TTN):c.10679-10G>C

Gene: TTN (titin; minus strand). Cytogenetic location: 2q31.2.
Variant type: single nucleotide variant.
Coding change: c.10679-10G>C on transcript NM_001267550.2 (MANE Select); 10 bases into the intron before coding-DNA position 10679, G replaced by C.
Molecular consequence: intron variant.
Genome position (GRCh38, 1-based): chr2:178,756,807, C>G on the plus strand (G>C on the coding strand, the complement: TTN is on the minus strand). VCF-style: chr2-178756807-C-G. GRCh37 (hg19) VCF-style: chr2-179621534-C-G.
Other names: c.10165+2177G>C (NM_003319.4); c.10166-10G>C (NM_133437.4); c.10540+735G>C (NM_133432.3); c.10303+2177G>C (NM_133378.4, NM_001256850.1, NM_133379.5).
Identifiers: ClinVar variation 47845 (VCV000047845.16), dbSNP rs397517832, ClinGen allele CA142031.